The following is an entry in ClinVar:

ClinVar aggregate classification (germline): Uncertain significance (1 of 4 stars; one submission).

Conditions:
Autosomal dominant nonsyndromic hearing loss 1. Also called: KONIGSMARK SYNDROME; DEAFNESS, AUTOSOMAL DOMINANT 1, WITH OR WITHOUT THROMBOCYTOPENIA. Identifiers: Orphanet 90635, MedGen C1852282, MONDO:0007424, OMIM 124900.
Progressive microcephaly-seizures-cortical blindness-developmental delay syndrome. Also called: Seizures, cortical blindness, and microcephaly syndrome. Identifiers: Orphanet 477814, MedGen C5567650, MONDO:0014714, OMIM 616632.

gnomAD v4.1: 1 of 1,614,152 alleles (0.000062%); highest among the groups gnomAD compares: Non-Finnish European, 0.000085%; no homozygotes.

Submission:

Labcorp Genetics (formerly Invitae), Labcorp
Classification: Uncertain significance for Progressive microcephaly-seizures-cortical blindness-developmental delay syndrome; Autosomal dominant nonsyndromic hearing loss 1. Last evaluated: 2024-05-31. Review status: criteria provided, single submitter. Criteria: Invitae Variant Classification Sherloc (09022015). Collection method: clinical testing. Allele origin: germline.
Comment: This sequence change replaces lysine, which is basic and polar, with asparagine, which is neutral and polar, at codon 63 of the DIAPH1 protein (p.Lys63Asn). This variant is not present in population databases (gnomAD no frequency). This variant has not been reported in the literature in individuals affected with DIAPH1-related conditions. Experimental studies and prediction algorithms are not available or were not evaluated, and the functional significance of this variant is currently unknown. In summary, the available evidence is currently insufficient to determine the role of this variant in disease. Therefore, it has been classified as a Variant of Uncertain Significance.

NM_005219.5(DIAPH1):c.189G>T (p.Lys63Asn)

Gene: DIAPH1 (diaphanous related formin 1; minus strand). Cytogenetic location: 5q31.3.
Variant type: single nucleotide variant.
Coding change: c.189G>T on transcript NM_005219.5 (MANE Select); coding-DNA position 189, G replaced by T.
Protein change: p.Lys63Asn; replaces lysine 63 with asparagine.
Molecular consequence: missense variant.
Genome position (GRCh38, 1-based): chr5:141,587,153, C>A on the plus strand (G>T on the coding strand, the complement: DIAPH1 is on the minus strand). VCF-style: chr5-141587153-C-A. GRCh37 (hg19) VCF-style: chr5-140966720-C-A.
Other names: c.162G>T, p.Lys54Asn (NM_001079812.3); c.189G>T, p.Lys63Asn (NM_001314007.2); short protein forms K54N, K63N.
Identifiers: ClinVar variation 3756618 (VCV003756618.2).